The following is an entry in ClinVar:

NM_000141.5(FGFR2):c.855G>A (p.Gln285=)

Gene: FGFR2 (fibroblast growth factor receptor 2; minus strand). Cytogenetic location: 10q26.13.
Variant type: single nucleotide variant.
Coding change: c.855G>A on transcript NM_000141.5 (MANE Select); coding-DNA position 855, G replaced by A.
Protein change: p.Gln285=; no amino-acid change (glutamine 285 retained).
Molecular consequence: synonymous variant. On other transcripts: non-coding transcript variant (1), intron variant (1).
Genome position (GRCh38, 1-based): chr10:121,520,063, C>T on the plus strand (G>A on the coding strand, the complement: FGFR2 is on the minus strand). VCF-style: chr10-121520063-C-T. GRCh37 (hg19) VCF-style: chr10-123279577-C-T.
Other names: c.855G>A, p.Gln285= (NM_001144913.1, NM_001144917.2, NM_001320658.2 and 1 more transcripts); c.588G>A, p.Gln196= (NM_001144915.2, NM_001144919.2, NM_023029.3); c.510G>A, p.Gln170= (NM_001144916.2, NM_001144918.2); c.171G>A, p.Gln57= (NM_001320654.2); c.749-4744G>A (NM_001144914.1).
Identifiers: ClinVar variation 3029741 (VCV003029741.2), dbSNP rs1161520202, ClinGen allele CA471656114.

ClinVar aggregate classification (germline): Likely benign (0 of 4 stars; one submission).

Conditions:
FGFR2-related disorder. Identifiers: MedGen CN380096.

Allele frequency attached by ClinVar (database versions not stated): TOPMed below 0.00001; gnomAD 0.00001.
gnomAD v4.1: 1 of 1,614,104 alleles (0.000062%); highest among the groups gnomAD compares: African/African-American, 0.0013%; no homozygotes.

Submission:

PreventionGenetics, part of Exact Sciences
Classification: Likely benign for FGFR2-related condition. Last evaluated: 2021-09-03. Review status: no assertion criteria provided. Collection method: clinical testing. Allele origin: germline.
Comment: This variant is classified as likely benign based on ACMG/AMP sequence variant interpretation guidelines (Richards et al. 2015 PMID: 25741868, with internal and published modifications).